The following is an entry in ClinVar:

ClinVar aggregate classification (germline): Uncertain significance. Review status: criteria provided, multiple submitters, no conflicts (2 of 4 stars). 2 submissions from 2 submitters: Uncertain significance (2). Last evaluated 2025-07-28.

Conditions:
Inborn genetic diseases. Identifiers: MedGen C0950123, MeSH D030342.
Trichorhinophalangeal syndrome, type III (TRPS3). Also called: SUGIO-KAJII SYNDROME. Identifiers: Orphanet 77258, MedGen C1860823, OMIM 190351, MONDO:0008597.
Trichorhinophalangeal dysplasia type I (TRPS1). Also called: TRICHORHINOPHALANGEAL SYNDROME, TYPE I; TRPS I. Identifiers: Orphanet 77258, MedGen C0432233, MONDO:0008596, OMIM 190350.

Allele frequency attached by ClinVar (database versions not stated): gnomAD 0.00001.
gnomAD v4.1: 6 of 1,612,528 alleles (0.00037%); highest among the groups gnomAD compares: Non-Finnish European, 0.00051%; no homozygotes.

Submissions (2):

Labcorp Genetics (formerly Invitae), Labcorp
Classification: Uncertain significance for Trichorhinophalangeal syndrome, type III; Trichorhinophalangeal dysplasia type I. Last evaluated: 2025-07-28. Review status: criteria provided, single submitter. Criteria: Invitae Variant Classification Sherloc (09022015). Collection method: clinical testing. Allele origin: germline.
Comment: This sequence change replaces proline, which is neutral and non-polar, with alanine, which is neutral and non-polar, at codon 1010 of the TRPS1 protein (p.Pro1010Ala). This variant is present in population databases (no rsID available, gnomAD 0.002%). This variant has not been reported in the literature in individuals affected with TRPS1-related conditions. ClinVar contains an entry for this variant (Variation ID: 1719506). Invitae Evidence Modeling of protein sequence and biophysical properties (such as structural, functional, and spatial information, amino acid conservation, physicochemical variation, residue mobility, and thermodynamic stability) indicates that this missense variant is not expected to disrupt TRPS1 protein function with a negative predictive value of 80%. In summary, the available evidence is currently insufficient to determine the role of this variant in disease. Therefore, it has been classified as a Variant of Uncertain Significance.

Ambry Genetics
Classification: Uncertain significance for Inborn genetic diseases. Last evaluated: 2023-03-06. Review status: criteria provided, single submitter. Criteria: Ambry Variant Classification Scheme 2023. Collection method: clinical testing. Allele origin: germline.

NM_014112.5(TRPS1):c.3028C>G (p.Pro1010Ala)

Gene: TRPS1 (transcriptional repressor GATA binding 1; minus strand). Cytogenetic location: 8q23.3.
Variant type: single nucleotide variant.
Coding change: c.3028C>G on transcript NM_014112.5 (MANE Select); coding-DNA position 3028, C replaced by G.
Protein change: p.Pro1010Ala; replaces proline 1010 with alanine.
Molecular consequence: missense variant.
Genome position (GRCh38, 1-based): chr8:115,414,880, G>C on the plus strand (C>G on the coding strand, the complement: TRPS1 is on the minus strand). VCF-style: chr8-115414880-G-C. GRCh37 (hg19) VCF-style: chr8-116427108-G-C.
Other names: c.3028C>G (NM_014112.2); c.3001C>G, p.Pro1001Ala (NM_001282902.3); c.3007C>G, p.Pro1003Ala (NM_001282903.3); c.2989C>G, p.Pro997Ala (NM_001330599.2); short protein forms P1001A, P1003A, P1010A, P997A.
Identifiers: ClinVar variation 1719506 (VCV001719506.7), dbSNP rs1324200216, ClinGen allele CA372063677.